The following is an entry in ClinVar:

NM_001371928.1(AHDC1):c.1114G>T (p.Gly372Cys)

Gene: AHDC1 (AT-hook DNA binding motif containing 1; minus strand). Cytogenetic location: 1p36.11.
Variant type: single nucleotide variant.
Coding change: c.1114G>T on transcript NM_001371928.1 (MANE Select); coding-DNA position 1114, G replaced by T.
Protein change: p.Gly372Cys; replaces glycine 372 with cysteine.
Molecular consequence: missense variant.
Genome position (GRCh38, 1-based): chr1:27,551,002, C>A on the plus strand (G>T on the coding strand, the complement: AHDC1 is on the minus strand). VCF-style: chr1-27551002-C-A. GRCh37 (hg19) VCF-style: chr1-27877513-C-A.
Other names: c.1114G>T, p.Gly372Cys (NM_001029882.3); short protein forms G372C.
Identifiers: ClinVar variation 2636403 (VCV002636403.1), dbSNP rs771075902, ClinGen allele CA339235085.
Genomic context (GRCh38, chr1:27,551,002, plus strand): 5'-TCTTTGGCCTATCAGTGCGCCGCAAGGCGTACTTGGGGTGACCCTCAGGCCCGGGGGGGC[C>A]GTGCGGTGAGCACAAGTCCAGGCGCAAGGGCTCGGCCAGTGGGCAGTGCCCCAGGGGCTG-3'
Protein context (NP_001358857.1, residues 362-382): PLRLDLCSPH[Gly372Cys]PPGPEGHPKY

ClinVar aggregate classification (germline): Uncertain significance (1 of 4 stars; one submission).

Conditions:
AHDC1-related disorder. Also called: AHDC1-related condition.

Submission:

PreventionGenetics, part of Exact Sciences
Classification: Uncertain significance for AHDC1-related condition. Last evaluated: 2022-08-31. Review status: criteria provided, single submitter. Criteria: ACMG Guidelines, 2015. Collection method: clinical testing. Allele origin: germline.
Comment: The AHDC1 c.1114G>T variant is predicted to result in the amino acid substitution p.Gly372Cys. To our knowledge, this variant has not been reported in the literature or in a large population database, indicating this variant is rare. At this time, the clinical significance of this variant is uncertain due to the absence of conclusive functional and genetic evidence.